The following is an entry in ClinVar:

NM_006348.5(COG5):c.2271C>T (p.Pro757=)

Gene: COG5 (component of oligomeric golgi complex 5; minus strand). Cytogenetic location: 7q22.3.
Variant type: single nucleotide variant.
Coding change: c.2271C>T on transcript NM_006348.5 (MANE Select); coding-DNA position 2271, C replaced by T.
Protein change: p.Pro757=; no amino-acid change (proline 757 retained).
Molecular consequence: synonymous variant. On other transcripts: intron variant (1).
Genome position (GRCh38, 1-based): chr7:107,211,123, G>A on the plus strand (C>T on the coding strand, the complement: COG5 is on the minus strand). VCF-style: chr7-107211123-G-A. GRCh37 (hg19) VCF-style: chr7-106851568-G-A.
Other names: c.2271C>T, p.Pro757= (NM_001161520.2); c.2109C>T, p.Pro703= (NM_001379511.1); c.2097C>T, p.Pro699= (NM_001379512.1); c.1956C>T, p.Pro652= (NM_001379514.1); c.1701C>T, p.Pro567= (NM_001379515.1); c.1557C>T, p.Pro519= (NM_001379516.1); c.2208C>T, p.Pro736= (NM_181733.4); c.2169-7493C>T (NM_001379513.1).
Identifiers: ClinVar variation 680921 (VCV000680921.16), dbSNP rs145648013, ClinGen allele CA4430639.

ClinVar aggregate classification (germline): Conflicting classifications of pathogenicity. Review status: criteria provided, conflicting classifications (1 of 4 stars). 3 submissions from 3 submitters: Uncertain significance (1); Benign (1); Likely benign (1). Last evaluated 2025-11-29.

Conditions:
COG5-congenital disorder of glycosylation. Also called: CDG IIi; CONGENITAL DISORDER OF GLYCOSYLATION, TYPE IIi; COG5-CDG. Identifiers: Orphanet 263487, MedGen C3150876, MONDO:0013325, OMIM 613612.

Allele frequency attached by ClinVar (database versions not stated): ESP Exome Variant Server 0.00023; gnomAD 0.00039 and 0.00048; gnomAD exomes 0.00040 and 0.00053; TOPMed 0.00049; ExAC 0.00053; 1000 Genomes Project 0.00080; 1000 Genomes Project 30x 0.00094.
gnomAD v4.1: 640 of 1,614,054 alleles (0.04%); highest among the groups gnomAD compares: East Asian, 1.3%; 6 homozygotes.

Submissions (3):

Labcorp Genetics (formerly Invitae), Labcorp
Classification: Benign for COG5-congenital disorder of glycosylation. Last evaluated: 2025-11-29. Review status: criteria provided, single submitter. Criteria: Invitae Variant Classification Sherloc (09022015). Collection method: clinical testing. Allele origin: germline.

GeneDx
Classification: Likely benign. Last evaluated: 2018-04-05. Review status: criteria provided, single submitter. Criteria: GeneDx Variant Classification (06012015). Collection method: clinical testing. Allele origin: germline. Affected: yes.
Comment: This variant is considered likely benign or benign based on one or more of the following criteria: it is a conservative change, it occurs at a poorly conserved position in the protein, it is predicted to be benign by multiple in silico algorithms, and/or has population frequency not consistent with disease.

Illumina Laboratory Services, Illumina
Classification: Uncertain significance for COG5-congenital disorder of glycosylation. Last evaluated: 2018-01-12. Review status: criteria provided, single submitter. Criteria: ICSL Variant Classification Criteria 13 December 2019. Collection method: clinical testing. Allele origin: germline.